The following is an entry in ClinVar:

NM_000204.5(CFI):c.1709G>C (p.Ser570Thr)

Gene: CFI (complement factor I; minus strand). Cytogenetic location: 4q25.
Variant type: single nucleotide variant.
Coding change: c.1709G>C on transcript NM_000204.5 (MANE Select); coding-DNA position 1709, G replaced by C.
Protein change: p.Ser570Thr; replaces serine 570 with threonine.
Molecular consequence: missense variant. On other transcripts: non-coding transcript variant (3), intron variant (5).
Genome position (GRCh38, 1-based): chr4:109,740,936, C>G on the plus strand (G>C on the coding strand, the complement: CFI is on the minus strand). VCF-style: chr4-109740936-C-G. GRCh37 (hg19) VCF-style: chr4-110662092-C-G.
Other names: c.1733G>C, p.Ser578Thr (NM_001318057.2); c.1688G>C, p.Ser563Thr (NM_001331035.2); c.1652G>C, p.Ser551Thr (NM_001375283.1); c.1100G>C, p.Ser367Thr (NM_001375284.1); c.1513+1555G>C (NM_001375282.1, NM_001375280.1); c.1534+1555G>C (NM_001375281.1, NM_001375279.1); c.1558+1555G>C (NM_001375278.1); short protein forms S570T, S563T, S578T, S367T, S551T.
Identifiers: ClinVar variation 438686 (VCV000438686.13), dbSNP rs200973120, ClinGen allele CA3041835.

ClinVar aggregate classification (germline): Uncertain significance. Review status: criteria provided, multiple submitters, no conflicts (2 of 4 stars). 5 submissions from 5 submitters: Uncertain significance (4). 1 of the submissions does not count toward it. Last evaluated 2026-09-17.

Conditions:
Factor I deficiency (CFID). Also called: Complement factor I deficiency. Identifiers: Orphanet 200418, MedGen C3463916, MONDO:0012594, OMIM 610984.
Atypical hemolytic-uremic syndrome with I factor anomaly. Also called: HEMOLYTIC UREMIC SYNDROME, ATYPICAL, SUSCEPTIBILITY TO, 3; AHUS, SUSCEPTIBILITY TO, 3. Identifiers: Orphanet 2134, MedGen C2752039, MONDO:0013041, OMIM 612923.
Age related macular degeneration 13. Identifiers: MedGen C3809523, MONDO:0014189, OMIM 615439.
Atypical hemolytic-uremic syndrome. Identifiers: Orphanet 2134, MedGen C2931788, MONDO:0016244.

Allele frequency attached by ClinVar (database versions not stated): ExAC 0.00004; gnomAD exomes 0.00006 and 0.00017; gnomAD 0.00007 and 0.00008; TOPMed 0.00007.
gnomAD v4.1: 251 of 1,614,026 alleles (0.016%); highest among the groups gnomAD compares: Non-Finnish European, 0.021%; no homozygotes.

Submissions (5):

Genomenon, Inc
Classification: Uncertain significance for Atypical hemolytic-uremic syndrome. Last evaluated: 2026-09-17. Review status: criteria provided, single submitter. Criteria: Genomenon Sequence Variant Interpretation Standards - Updated. Collection method: curation. Allele origin: germline. Affected: yes.
Comment: CFI p.Ser570Thr (c.1709G>C) is a missense variant that changes the amino acid at codon 570 from Serine to Threonine. This variant has been observed in at least one proband affected with atypical hemolytic-uremic syndrome (PMID:32510551). Well-established functional studies show no damaging effect of this variant on protein function, supporting a benign classification (PMID:38852887). This variant is located in a mutational hotspot and/or important functional domain. It is absent or not present at a significant frequency in gnomAD. In conclusion, we classify CFI p.Ser570Thr (c.1709G>C) as a variant of uncertain significance.

Labcorp Genetics (formerly Invitae), Labcorp
Classification: Uncertain significance. Last evaluated: 2025-08-11. Review status: criteria provided, single submitter. Criteria: Invitae Variant Classification Sherloc (09022015). Collection method: clinical testing. Allele origin: germline.
Comment: This sequence change replaces serine, which is neutral and polar, with threonine, which is neutral and polar, at codon 570 of the CFI protein (p.Ser570Thr). This variant is present in population databases (rs200973120, gnomAD 0.01%). This missense change has been observed in individual(s) with CFH-related conditions (PMID: 29888403). ClinVar contains an entry for this variant (Variation ID: 438686). Invitae Evidence Modeling of protein sequence and biophysical properties (such as structural, functional, and spatial information, amino acid conservation, physicochemical variation, residue mobility, and thermodynamic stability) has been performed for this missense variant. However, the output from this modeling did not meet the statistical confidence thresholds required to predict the impact of this variant on CFI protein function. Experimental studies have shown that this missense change does not substantially affect CFI function (PMID: 35069568). In summary, the available evidence is currently insufficient to determine the role of this variant in disease. Therefore, it has been classified as a Variant of Uncertain Significance.

Fulgent Genetics
Classification: Uncertain significance for Factor I deficiency; Atypical hemolytic-uremic syndrome with I factor anomaly; Age related macular degeneration 13. Last evaluated: 2024-03-28. Review status: criteria provided, single submitter. Criteria: ACMG Guidelines, 2015. Collection method: clinical testing. Allele origin: germline.

Illumina Laboratory Services, Illumina
Classification: Uncertain significance for Atypical hemolytic-uremic syndrome with I factor anomaly. Last evaluated: 2018-01-13. Review status: criteria provided, single submitter. Criteria: ICSL Variant Classification Criteria 13 December 2019. Collection method: clinical testing. Allele origin: germline.

Bioscientia Institut fuer Medizinische Diagnostik GmbH, Sonic Healthcare
Classification: Uncertain significance for Atypical hemolytic-uremic syndrome with I factor anomaly. Last evaluated: 2017-04-20. Review status: no assertion criteria provided. Collection method: clinical testing. Allele origin: germline. Affected: yes. Not counted in ClinVar's aggregate classification.

Literature cited by the submitters: PubMed 32510551 (cited by Genomenon, Inc); PubMed 38852887 (cited by Genomenon, Inc); PubMed 29888403 (cited by Labcorp Genetics (formerly Invitae), Labcorp); PubMed 35069568 (cited by Labcorp Genetics (formerly Invitae), Labcorp).